The following is an entry in ClinVar:

NM_001903.5(CTNNA1):c.1327A>G (p.Asn443Asp)

Gene: CTNNA1 (catenin alpha 1; plus strand). Cytogenetic location: 5q31.2.
Variant type: single nucleotide variant.
Coding change: c.1327A>G on transcript NM_001903.5 (MANE Select); coding-DNA position 1327, A replaced by G.
Protein change: p.Asn443Asp; replaces asparagine 443 with aspartic acid.
Molecular consequence: missense variant. On other transcripts: 5 prime UTR variant (6), intron variant (3).
Genome position (GRCh38, 1-based): chr5:138,904,379, A>G. VCF-style: chr5-138904379-A-G. GRCh37 (hg19) VCF-style: chr5-138240068-A-G.
Other names: c.1327A>G (NM_001903.3, NM_001903.2); c.1327A>G, p.Asn443Asp (NM_001290307.3, NM_001323982.2, NM_001323983.1 and 2 more transcripts); c.1018A>G, p.Asn340Asp (NM_001290309.3); c.958A>G, p.Asn320Asp (NM_001290310.3); c.217A>G, p.Asn73Asp (NM_001290312.1, NM_001323987.1, NM_001323988.1 and 17 more transcripts); c.-181A>G (NM_001324006.1, NM_001324007.1, NM_001324008.1 and 1 more transcripts); c.-27A>G (NM_001324012.1, NM_001324013.1); c.1297-13363A>G (NM_001323986.2); and 2 more; short protein forms N320D, N443D, N73D, N340D.
Identifiers: ClinVar variation 1962938 (VCV001962938.8), dbSNP rs2533352745, ClinGen allele CA361135922.

ClinVar aggregate classification (germline): Uncertain significance. Review status: criteria provided, multiple submitters, no conflicts (2 of 4 stars). 3 submissions from 3 submitters: Uncertain significance (3). Last evaluated 2025-02-07.

Conditions:
Hereditary cancer-predisposing syndrome. Also called: Hereditary Cancer Syndrome; Hereditary neoplastic syndrome; Tumor predisposition; Neoplastic Syndromes, Hereditary. Identifiers: Orphanet 140162, MedGen C0027672, MeSH D009386, MONDO:0015356.

gnomAD v4.1: 1 of 1,614,088 alleles (0.000062%); highest among the groups gnomAD compares: Non-Finnish European, 0.000085%; no homozygotes.

Submissions (3):

Labcorp Genetics (formerly Invitae), Labcorp
Classification: Uncertain significance. Last evaluated: 2025-02-07. Review status: criteria provided, single submitter. Criteria: Invitae Variant Classification Sherloc (09022015). Collection method: clinical testing. Allele origin: germline.
Comment: This sequence change replaces asparagine, which is neutral and polar, with aspartic acid, which is acidic and polar, at codon 443 of the CTNNA1 protein (p.Asn443Asp). This variant is not present in population databases (gnomAD no frequency). This variant has not been reported in the literature in individuals affected with CTNNA1-related conditions. ClinVar contains an entry for this variant (Variation ID: 1962938). Invitae Evidence Modeling of protein sequence and biophysical properties (such as structural, functional, and spatial information, amino acid conservation, physicochemical variation, residue mobility, and thermodynamic stability) indicates that this missense variant is not expected to disrupt CTNNA1 protein function with a negative predictive value of 80%. In summary, the available evidence is currently insufficient to determine the role of this variant in disease. Therefore, it has been classified as a Variant of Uncertain Significance.

Ambry Genetics
Classification: Uncertain significance for Hereditary cancer-predisposing syndrome. Last evaluated: 2023-04-23. Review status: criteria provided, single submitter. Criteria: Ambry Variant Classification Scheme 2023. Collection method: clinical testing. Allele origin: germline.
Comment: The p.N443D variant (also known as c.1327A>G), located in coding exon 9 of the CTNNA1 gene, results from an A to G substitution at nucleotide position 1327. The asparagine at codon 443 is replaced by aspartic acid, an amino acid with highly similar properties. This amino acid position is conserved. In addition, this alteration is predicted to be tolerated by in silico analysis. Since supporting evidence is limited at this time, the clinical significance of this alteration remains unclear.

GeneDx
Classification: Uncertain significance. Last evaluated: 2022-11-30. Review status: criteria provided, single submitter. Criteria: GeneDx Variant Classification Process June 2021. Collection method: clinical testing. Allele origin: germline. Affected: yes.
Comment: Not observed at significant frequency in large population cohorts (gnomAD); In silico analysis supports that this missense variant has a deleterious effect on protein structure/function; Has not been previously published as pathogenic or benign to our knowledge